The following is an entry in ClinVar:

NM_003664.5(AP3B1):c.2774C>T (p.Pro925Leu)

Gene: AP3B1 (adaptor related protein complex 3 subunit beta 1; minus strand). Cytogenetic location: 5q14.1.
Variant type: single nucleotide variant.
Coding change: c.2774C>T on transcript NM_003664.5 (MANE Select); coding-DNA position 2774, C replaced by T.
Protein change: p.Pro925Leu; replaces proline 925 with leucine.
Molecular consequence: missense variant.
Genome position (GRCh38, 1-based): chr5:78,039,078, G>A on the plus strand (C>T on the coding strand, the complement: AP3B1 is on the minus strand). VCF-style: chr5-78039078-G-A. GRCh37 (hg19) VCF-style: chr5-77334902-G-A.
Other names: p.Pro925Leu; c.2627C>T, p.Pro876Leu (NM_001271769.2); short protein forms P925L, P876L.
Identifiers: ClinVar variation 4541051 (VCV004541051.1).
Genomic context (GRCh38, chr5:78,039,078, plus strand): 5'-GTTTTAAATGAGAATTAATATTTACCTATTGGATTAAAAACATGCATTTTCATGCCTATA[G>A]GAAGTTTTTTTTCCCCTATGTGGATATTTTCTATCTTTCGATCAGTAGTGTTATTCAGTG-3'
Protein context (NP_003655.3, residues 915-935): ENIHIGEKKL[Pro925Leu]IGMKMHVFNP

ClinVar aggregate classification (germline): Uncertain significance (1 of 4 stars; one submission).

Submission:

Mayo Clinic Laboratories, Mayo Clinic
Classification: Uncertain significance. Last evaluated: 2024-11-11. Review status: criteria provided, single submitter. Criteria: ACMG Guidelines, 2015. Collection method: clinical testing. Allele origin: germline. Observed: 1 variant allele.
Comment: BP4, PM2_supporting